The following is an entry in ClinVar:

ClinVar aggregate classification (germline): Uncertain significance (1 of 4 stars; one submission).

Conditions:
Congenital myopathy with fiber type disproportion. Also called: Congenital fiber-type disproportion; Congenital fiber-type disproportion myopathy. Identifiers: Orphanet 2020, MedGen C0546264, MONDO:0009711. Inheritance: all.
Congenital myopathy 4B, autosomal recessive. Also called: Nemaline myopathy 1, autosomal dominant or recessive. Identifiers: Orphanet 171433, Orphanet 171439, Orphanet 171881, MedGen C5829889, MONDO:0012239, OMIM 609284.

Submission:

Labcorp Genetics (formerly Invitae), Labcorp
Classification: Uncertain significance for Congenital myopathy with fiber type disproportion; Congenital myopathy 4B, autosomal recessive. Last evaluated: 2022-08-06. Review status: criteria provided, single submitter. Criteria: Invitae Variant Classification Sherloc (09022015). Collection method: clinical testing. Allele origin: germline.
Comment: This variant has not been reported in the literature in individuals affected with TPM3-related conditions. This variant, c.185_193del, results in the deletion of 3 amino acid(s) of the TPM3 protein (p.Ser62_Ala64del), but otherwise preserves the integrity of the reading frame. This variant is not present in population databases (gnomAD no frequency). Experimental studies and prediction algorithms are not available or were not evaluated, and the functional significance of this variant is currently unknown. In summary, the available evidence is currently insufficient to determine the role of this variant in disease. Therefore, it has been classified as a Variant of Uncertain Significance.

NM_152263.4(TPM3):c.185_193del (p.Ser62_Ala64del)

Gene: TPM3 (tropomyosin 3; minus strand). Cytogenetic location: 1q21.3.
Variant type: Deletion.
Coding change: c.185_193del on transcript NM_152263.4 (MANE Select); coding-DNA positions 185 to 193, 9 bases deleted (CTGAAGCTT; older notation c.185_193delCTGAAGCTT).
Protein change: p.Ser62_Ala64del.
Molecular consequence: inframe deletion. On other transcripts: non-coding transcript variant (1).
Genome position (GRCh38, 1-based): chr1:154,191,236-154,191,244, AAGCTTCAG deleted on the plus strand (CTGAAGCTT on the coding strand, the reverse complement: TPM3 is on the minus strand); deleting any 9 consecutive bases within chr1:154,191,236-154,191,246 gives the same sequence; the c. name uses the placement nearest the transcript's 3' end. VCF-style (leftmost placement, unchanged base first): chr1-154191235-AAAGCTTCAG-A. GRCh37 (hg19) VCF-style: chr1-154163711-AAAGCTTCAG-A.
Other names: c.185_193del, p.Ser62_Ala64del (NM_001364679.2, NM_001364680.2, NM_001364681.2 and 1 more transcripts).
Identifiers: ClinVar variation 2121464 (VCV002121464.4), dbSNP rs2526055702, ClinGen allele CA2580061077.